The following is an entry in ClinVar:

ClinVar aggregate classification (germline): Uncertain significance. Review status: criteria provided, multiple submitters, no conflicts (2 of 4 stars). 3 submissions from 3 submitters: Uncertain significance (3). Last evaluated 2024-06-24.

Conditions:
Hereditary cancer-predisposing syndrome. Also called: Tumor predisposition; Hereditary neoplastic syndrome; Neoplastic Syndromes, Hereditary; Hereditary Cancer Syndrome. Identifiers: Orphanet 140162, MedGen C0027672, MeSH D009386, MONDO:0015356.

gnomAD v4.1: 1 of 1,546,848 alleles (0.000065%); highest among the groups gnomAD compares: Non-Finnish European, 0.000087%; no homozygotes.

Submissions (3):

GeneDx
Classification: Uncertain significance. Last evaluated: 2024-06-24. Review status: criteria provided, single submitter. Criteria: GeneDx Variant Classification Process June 2021. Collection method: clinical testing. Allele origin: germline. Affected: yes.
Comment: Not observed at significant frequency in large population cohorts (gnomAD); In silico analysis indicates that this missense variant does not alter protein structure/function; Has not been previously published as pathogenic or benign to our knowledge

Ambry Genetics
Classification: Uncertain significance for Hereditary cancer-predisposing syndrome. Last evaluated: 2024-03-06. Review status: criteria provided, single submitter. Criteria: Ambry Variant Classification Scheme 2023. Collection method: clinical testing. Allele origin: germline.
Comment: The p.L8F variant (also known as c.22C>T), located in coding exon 1 of the FH gene, results from a C to T substitution at nucleotide position 22. The leucine at codon 8 is replaced by phenylalanine, an amino acid with highly similar properties. This amino acid position is not well conserved in available vertebrate species. In addition, the in silico prediction for this alteration is inconclusive. Based on the available evidence, the clinical significance of this alteration remains unclear.

Labcorp Genetics (formerly Invitae), Labcorp
Classification: Uncertain significance. Last evaluated: 2023-12-08. Review status: criteria provided, single submitter. Criteria: Invitae Variant Classification Sherloc (09022015). Collection method: clinical testing. Allele origin: germline.
Comment: This sequence change replaces leucine, which is neutral and non-polar, with phenylalanine, which is neutral and non-polar, at codon 8 of the FH protein (p.Leu8Phe). This variant is not present in population databases (gnomAD no frequency). This variant has not been reported in the literature in individuals affected with FH-related conditions. Advanced modeling of protein sequence and biophysical properties (such as structural, functional, and spatial information, amino acid conservation, physicochemical variation, residue mobility, and thermodynamic stability) performed at Invitae indicates that this missense variant is not expected to disrupt FH protein function with a negative predictive value of 95%. In summary, the available evidence is currently insufficient to determine the role of this variant in disease. Therefore, it has been classified as a Variant of Uncertain Significance.

NM_000143.4(FH):c.22C>T (p.Leu8Phe)

Gene: FH (fumarate hydratase; minus strand). Cytogenetic location: 1q43.
Variant type: single nucleotide variant.
Coding change: c.22C>T on transcript NM_000143.4 (MANE Select); coding-DNA position 22, C replaced by T.
Protein change: p.Leu8Phe; replaces leucine 8 with phenylalanine.
Molecular consequence: missense variant.
Genome position (GRCh38, 1-based): chr1:241,519,701, G>A on the plus strand (C>T on the coding strand, the complement: FH is on the minus strand). VCF-style: chr1-241519701-G-A. GRCh37 (hg19) VCF-style: chr1-241683001-G-A.
Other names: short protein forms L8F.
Identifiers: ClinVar variation 2955536 (VCV002955536.5), dbSNP rs1660323820, ClinGen allele CA345443062.